The following is an entry in ClinVar:

ClinVar aggregate classification (germline): Uncertain significance. Review status: criteria provided, multiple submitters, no conflicts (2 of 4 stars). 2 submissions from 2 submitters: Uncertain significance (2). Last evaluated 2026-07-01.

Conditions:
Glycogen storage disease, type II (IOPD). Also called: CARDIOMEGALIA GLYCOGENICA DIFFUSA; Glycogen storage disease type 2; Acid maltase deficiency disease; Aglucosidase alfa; Deficiency of alpha-glucosidase; Deficiency of lysosomal alpha-glucosidase. Identifiers: Orphanet 365, MedGen C0017921, MONDO:0009290, OMIM 232300.

Submissions (2):

Genomenon, Inc
Classification: Uncertain significance for Glycogen storage disease, type II. Last evaluated: 2026-07-01. Review status: criteria provided, single submitter. Criteria: Genomenon Sequence Variant Interpretation Standards - Updated. Collection method: curation. Allele origin: germline. Affected: yes.
Comment: GAA c.1551+5G>A is an intronic variant located in the donor splice region of intron 10. This variant has been observed in at least one proband with a GAA-related disorder in the compound heterozygous and/or homozygous state (PMID:30801484). It is absent or not present at a significant frequency in gnomAD. In silico models predict that this variant is possibly or probably damaging. In conclusion, we classify GAA c.1551+5G>A as a variant of uncertain significance.

Institute of Medical Genetics and Genomics, Sir Ganga Ram Hospital
Classification: Uncertain significance for Glycogen storage disease, type II. Last evaluated: 2020-10-15. Review status: criteria provided, single submitter. Criteria: ACMG Guidelines, 2015. Collection method: clinical testing. Allele origin: germline. Inheritance: Autosomal recessive inheritance. Affected: yes. Observed: 1 homozygote.
Comment: based on the position and the symptoms of the patient we consider the variant to be cause of the disease.

Literature cited by the submitters: PubMed 30801484 (cited by Genomenon, Inc).

NM_000152.5(GAA):c.1551+5G>A

Gene: GAA (alpha glucosidase; plus strand). Cytogenetic location: 17q25.3.
Variant type: single nucleotide variant.
Coding change: c.1551+5G>A on transcript NM_000152.5 (MANE Select); 5 bases into the intron after coding-DNA position 1551, G replaced by A.
Molecular consequence: intron variant.
Genome position (GRCh38, 1-based): chr17:80,110,845, G>A. VCF-style: chr17-80110845-G-A. GRCh37 (hg19) VCF-style: chr17-78084644-G-A.
Other names: c.1551+5G>A (NM_001079803.3, NM_001079804.3).
Identifiers: ClinVar variation 982366 (VCV000982366.4), dbSNP rs2039217485, ClinGen allele CA1139665923.